The following is an entry in ClinVar:

NM_001160372.4(TRAPPC9):c.1829C>T (p.Pro610Leu)

Gene: TRAPPC9 (trafficking protein particle complex subunit 9; minus strand). Cytogenetic location: 8q24.3.
Variant type: single nucleotide variant.
Coding change: c.1829C>T on transcript NM_001160372.4 (MANE Select); coding-DNA position 1829, C replaced by T.
Protein change: p.Pro610Leu; replaces proline 610 with leucine.
Molecular consequence: missense variant. On other transcripts: non-coding transcript variant (1).
Genome position (GRCh38, 1-based): chr8:140,291,018, G>A on the plus strand (C>T on the coding strand, the complement: TRAPPC9 is on the minus strand). VCF-style: chr8-140291018-G-A. GRCh37 (hg19) VCF-style: chr8-141301117-G-A.
Other names: c.1802C>T, p.Pro601Leu (NM_001321646.2); c.1850C>T, p.Pro617Leu (NM_001374682.1); c.1829C>T, p.Pro610Leu (NM_001374683.1, NM_031466.8); c.1685C>T, p.Pro562Leu (NM_001374684.1); short protein forms P562L, P610L, P617L, P601L.
Identifiers: ClinVar variation 1969596 (VCV001969596.5), dbSNP rs758975217, ClinGen allele CA4893319.

ClinVar aggregate classification (germline): Uncertain significance (1 of 4 stars; one submission).

Allele frequency attached by ClinVar (database versions not stated): gnomAD exomes below 0.00001; ExAC 0.00001; gnomAD 0.00001.
gnomAD v4.1: 7 of 1,614,162 alleles (0.00043%); highest among the groups gnomAD compares: South Asian, 0.0022%; no homozygotes.

Submission:

Labcorp Genetics (formerly Invitae), Labcorp
Classification: Uncertain significance. Last evaluated: 2022-09-01. Review status: criteria provided, single submitter. Criteria: Invitae Variant Classification Sherloc (09022015). Collection method: clinical testing. Allele origin: germline.
Comment: In summary, the available evidence is currently insufficient to determine the role of this variant in disease. Therefore, it has been classified as a Variant of Uncertain Significance. This variant has not been reported in the literature in individuals affected with TRAPPC9-related conditions. This variant is present in population databases (rs758975217, gnomAD 0.0009%). This sequence change replaces proline, which is neutral and non-polar, with leucine, which is neutral and non-polar, at codon 708 of the TRAPPC9 protein (p.Pro708Leu). Algorithms developed to predict the effect of missense changes on protein structure and function are either unavailable or do not agree on the potential impact of this missense change (SIFT: "Not Available"; PolyPhen-2: "Possibly Damaging"; Align-GVGD: "Not Available").